The following is an entry in ClinVar:

NM_007129.5(ZIC2):c.937C>T (p.Pro313Ser)

Gene: ZIC2 (Zic family zinc finger 2; plus strand). Cytogenetic location: 13q32.3.
Variant type: single nucleotide variant.
Coding change: c.937C>T on transcript NM_007129.5 (MANE Select); coding-DNA position 937, C replaced by T.
Protein change: p.Pro313Ser; replaces proline 313 with serine.
Molecular consequence: missense variant.
Genome position (GRCh38, 1-based): chr13:99,983,001, C>T. VCF-style: chr13-99983001-C-T. GRCh37 (hg19) VCF-style: chr13-100635255-C-T.
Other names: short protein forms P313S.
Identifiers: ClinVar variation 2710828 (VCV002710828.3), dbSNP rs1282622872, ClinGen allele CA388638430.

ClinVar aggregate classification (germline): Uncertain significance (1 of 4 stars; one submission).

Conditions:
Holoprosencephaly 5 (HPE5). Identifiers: Orphanet 2162, MedGen C1864827, MONDO:0012322, OMIM 609637.

Allele frequency attached by ClinVar (database versions not stated): gnomAD exomes below 0.00001; TOPMed below 0.00001; gnomAD 0.00001.

Submission:

Labcorp Genetics (formerly Invitae), Labcorp
Classification: Uncertain significance for Holoprosencephaly 5. Last evaluated: 2024-01-22. Review status: criteria provided, single submitter. Criteria: Invitae Variant Classification Sherloc (09022015). Collection method: clinical testing. Allele origin: germline.
Comment: This sequence change replaces proline, which is neutral and non-polar, with serine, which is neutral and polar, at codon 313 of the ZIC2 protein (p.Pro313Ser). This variant is not present in population databases (gnomAD no frequency). This variant has not been reported in the literature in individuals affected with ZIC2-related conditions. Advanced modeling of protein sequence and biophysical properties (such as structural, functional, and spatial information, amino acid conservation, physicochemical variation, residue mobility, and thermodynamic stability) performed at Invitae indicates that this missense variant is not expected to disrupt ZIC2 protein function with a negative predictive value of 80%. In summary, the available evidence is currently insufficient to determine the role of this variant in disease. Therefore, it has been classified as a Variant of Uncertain Significance.